The following is an entry in ClinVar:

ClinVar aggregate classification (germline): Uncertain significance (1 of 4 stars; one submission).

gnomAD v4.1: 13 of 1,613,880 alleles (0.00081%); highest among the groups gnomAD compares: Non-Finnish European, 0.0011%; no homozygotes.

Submission:

Labcorp Genetics (formerly Invitae), Labcorp
Classification: Uncertain significance. Last evaluated: 2024-12-12. Review status: criteria provided, single submitter. Criteria: Invitae Variant Classification Sherloc (09022015). Collection method: clinical testing. Allele origin: germline.
Comment: This sequence change replaces isoleucine, which is neutral and non-polar, with valine, which is neutral and non-polar, at codon 291 of the P4HB protein (p.Ile291Val). This variant is present in population databases (no rsID available, gnomAD 0.002%). This variant has not been reported in the literature in individuals affected with P4HB-related conditions. Invitae Evidence Modeling of protein sequence and biophysical properties (such as structural, functional, and spatial information, amino acid conservation, physicochemical variation, residue mobility, and thermodynamic stability) indicates that this missense variant is not expected to disrupt P4HB protein function with a negative predictive value of 80%. In summary, the available evidence is currently insufficient to determine the role of this variant in disease. Therefore, it has been classified as a Variant of Uncertain Significance.

NM_000918.4(P4HB):c.871A>G (p.Ile291Val)

Gene: P4HB (prolyl 4-hydroxylase subunit beta; minus strand). Cytogenetic location: 17q25.3.
Variant type: single nucleotide variant.
Coding change: c.871A>G on transcript NM_000918.4 (MANE Select); coding-DNA position 871, A replaced by G.
Protein change: p.Ile291Val; replaces isoleucine 291 with valine.
Molecular consequence: missense variant.
Genome position (GRCh38, 1-based): chr17:81,846,614, T>C on the plus strand (A>G on the coding strand, the complement: P4HB is on the minus strand). VCF-style: chr17-81846614-T-C. GRCh37 (hg19) VCF-style: chr17-79804490-T-C.
Other names: short protein forms I291V.
Identifiers: ClinVar variation 3665465 (VCV003665465.2).
Genomic context (GRCh38, chr17:81,846,614, plus strand): 5'-CTTCCTTCTTCAGGCCAAAGAACTCGAGGATGCGCTGGTTGTCGGTGTGGTCGCTGTCGA[T>C]GAAGATGAACAGGATCTGGGGGAGAAAAGGAGGTTGCACAGGTGCGGGAGACGGCTGGCC-3'
Protein context (NP_000909.2, residues 281-301): SFKGKILFIF[Ile291Val]DSDHTDNQRI